The following is an entry in ClinVar:

ClinVar aggregate classification (germline): Uncertain significance (1 of 4 stars; one submission).

Allele frequency attached by ClinVar (database versions not stated): ExAC 0.00002.
gnomAD v4.1: 26 of 1,592,830 alleles (0.0016%); highest among the groups gnomAD compares: African/African-American, 0.004%; no homozygotes.

Submission:

Labcorp Genetics (formerly Invitae), Labcorp
Classification: Uncertain significance. Last evaluated: 2025-10-27. Review status: criteria provided, single submitter. Criteria: Invitae Variant Classification Sherloc (09022015). Collection method: clinical testing. Allele origin: germline.
Comment: This sequence change replaces arginine, which is basic and polar, with tryptophan, which is neutral and slightly polar, at codon 1537 of the DSCAML1 protein (p.Arg1537Trp). This variant is present in population databases (rs769974413, gnomAD 0.007%). This variant has not been reported in the literature in individuals affected with DSCAML1-related conditions. ClinVar contains an entry for this variant (Variation ID: 1944092). An algorithm developed to predict the effect of missense changes on protein structure and function (PolyPhen-2) suggests that this variant is likely to be disruptive. Algorithms developed to predict the effect of sequence changes on RNA splicing suggest that this variant may create or strengthen a splice site. In summary, the available evidence is currently insufficient to determine the role of this variant in disease. Therefore, it has been classified as a Variant of Uncertain Significance.

NM_020693.4(DSCAML1):c.4429C>T (p.Arg1477Trp)

Gene: DSCAML1 (DS cell adhesion molecule like 1; minus strand). Cytogenetic location: 11q23.3.
Variant type: single nucleotide variant.
Coding change: c.4429C>T on transcript NM_020693.4 (MANE Select); coding-DNA position 4429, C replaced by T.
Protein change: p.Arg1477Trp; replaces arginine 1477 with tryptophan.
Molecular consequence: missense variant.
Genome position (GRCh38, 1-based): chr11:117,437,898, G>A on the plus strand (C>T on the coding strand, the complement: DSCAML1 is on the minus strand). VCF-style: chr11-117437898-G-A. GRCh37 (hg19) VCF-style: chr11-117308614-G-A.
Other names: short protein forms R1477W.
Identifiers: ClinVar variation 1944092 (VCV001944092.5), dbSNP rs769974413, ClinGen allele CA6296388.